The following is an entry in ClinVar:

NM_183075.3(CYP2U1):c.557G>A (p.Arg186His)

Gene: CYP2U1 (cytochrome P450 family 2 subfamily U member 1; plus strand). Cytogenetic location: 4q25.
Variant type: single nucleotide variant.
Coding change: c.557G>A on transcript NM_183075.3 (MANE Select); coding-DNA position 557, G replaced by A.
Protein change: p.Arg186His; replaces arginine 186 with histidine.
Molecular consequence: missense variant.
Genome position (GRCh38, 1-based): chr4:107,945,036, G>A. VCF-style: chr4-107945036-G-A. GRCh37 (hg19) VCF-style: chr4-108866192-G-A.
Other names: short protein forms R186H.
Identifiers: ClinVar variation 941886 (VCV000941886.15), dbSNP rs746319505, ClinGen allele CA3037029.

ClinVar aggregate classification (germline): Conflicting classifications of pathogenicity. Review status: criteria provided, conflicting classifications (1 of 4 stars). 7 submissions from 7 submitters: Pathogenic (1); Uncertain significance (6). Last evaluated 2025-07-28.

Conditions:
Inborn genetic diseases. Identifiers: MedGen C0950123, MeSH D030342.
Spastic paraplegia. Identifiers: MedGen C0037772, HP:0001258.
Hereditary spastic paraplegia. Also called: Familial spastic paraparesis. Identifiers: Orphanet 685, MedGen C0037773, MONDO:0019064. Disease mechanism: loss of function.
Hereditary spastic paraplegia 56. Also called: Spastic Paraplegia 56; SPASTIC PARAPLEGIA 56, AUTOSOMAL RECESSIVE, WITH OR WITHOUT PSEUDOXANTHOMA ELASTICUM; Spastic paraplegia 56, autosomal recessive. Identifiers: Orphanet 320411, MedGen C3539507, MONDO:0014015, OMIM 615030.

Allele frequency attached by ClinVar (database versions not stated): gnomAD 0.00001; gnomAD exomes 0.00002 and 0.00004; ExAC 0.00005.

Submissions (7):

Center for Precision Medicine, University Hospital Brno
Classification: Pathogenic for Hereditary spastic paraplegia 56. Last evaluated: 2025-07-28. Review status: criteria provided, single submitter. Criteria: ACMG Guidelines, 2015. Collection method: research, in vitro. Allele origin: germline, not applicable. Affected: yes. Functional consequence: decreased enzyme activity.
Comment: The missense variant NM_183075.3:c.557G>A leads to complete loss of enzymatic activity of CYP2U1 (functional study; PS3). The deleterious effect was predicted also by in silico methods (PolyPhen2, SIFT, MutationTaster; PP3). Also, the criteria PM2 (extremely low frequency of allele; MAF <0.01%; gnomAD) and PP2 (missense variants are a common mechanism of disease; PMID: 29034544, 40375209, 23176821, 27292318) were met. Thus, according to ACMG Standards and Guidelines (2015), this variant meets ACMG criteria to be classified as pathogenic: PS3, PM2, PM3, PP2, PP3.

Labcorp Genetics (formerly Invitae), Labcorp
Classification: Uncertain significance for Spastic paraplegia. Last evaluated: 2025-06-20. Review status: criteria provided, single submitter. Criteria: Invitae Variant Classification Sherloc (09022015). Collection method: clinical testing. Allele origin: germline.
Comment: This sequence change replaces arginine, which is basic and polar, with histidine, which is basic and polar, at codon 186 of the CYP2U1 protein (p.Arg186His). This variant is present in population databases (rs746319505, gnomAD 0.009%). This missense change has been observed in individual(s) with clinical features consistent with hereditary spastic paraplegia (internal data). In at least one individual the data is consistent with being in trans (on the opposite chromosome) from a pathogenic variant. ClinVar contains an entry for this variant (Variation ID: 941886). Invitae Evidence Modeling of protein sequence and biophysical properties (such as structural, functional, and spatial information, amino acid conservation, physicochemical variation, residue mobility, and thermodynamic stability) has been performed for this missense variant. However, the output from this modeling did not meet the statistical confidence thresholds required to predict the impact of this variant on CYP2U1 protein function. In summary, the available evidence is currently insufficient to determine the role of this variant in disease. Therefore, it has been classified as a Variant of Uncertain Significance.

Ambry Genetics
Classification: Uncertain significance for Inborn genetic diseases. Last evaluated: 2025-01-18. Review status: criteria provided, single submitter. Criteria: Ambry Variant Classification Scheme 2023. Collection method: clinical testing. Allele origin: germline.

GeneDx
Classification: Uncertain significance. Last evaluated: 2023-08-03. Review status: criteria provided, single submitter. Criteria: GeneDx Variant Classification Process June 2021. Collection method: clinical testing. Allele origin: germline. Affected: yes.
Comment: In silico analysis supports that this missense variant has a deleterious effect on protein structure/function; Has not been previously published as pathogenic or benign to our knowledge

Blueprint Genetics
Classification: Uncertain significance. Last evaluated: 2023-04-14. Review status: criteria provided, single submitter. Criteria: ACMG Guidelines, 2015. Collection method: clinical testing. Allele origin: germline.

Genome Diagnostics Laboratory, The Hospital for Sick Children
Classification: Uncertain significance for Hereditary spastic paraplegia. Last evaluated: 2019-06-01. Review status: criteria provided, single submitter. Criteria: ACMG Guidelines, 2015. Collection method: clinical testing. Allele origin: germline. Affected: yes.

Juno Genomics, Hangzhou Juno Genomics, Inc
Classification: Uncertain significance for Hereditary spastic paraplegia 56. Review status: criteria provided, single submitter. Criteria: ACMG Guidelines, 2015. Collection method: clinical testing. Allele origin: germline. Affected: yes.
Comment: Absent from controls (or at extremely low frequency if recessive) in Genome Aggregation Database, Exome Sequencing Project, 1000 Genomes Project, or Exome Aggregation Consortium.;Multiple lines of computational evidence support a deleterious effect on the gene or gene product (conservation, evolutionary, splicing impact, etc).;For recessive disorders, detected in trans with a pathogenic variant.;Patient's phenotype or family history is highly specific for a disease with a single genetic etiology.